The following is an entry in ClinVar:

ClinVar aggregate classification (germline): Uncertain significance. Review status: criteria provided, multiple submitters, no conflicts (2 of 4 stars). 2 submissions from 2 submitters: Uncertain significance (2). Last evaluated 2024-11-15.

Conditions:
Cardiovascular phenotype. Identifiers: MedGen CN230736.

Allele frequency attached by ClinVar (database versions not stated): TOPMed below 0.00001; ExAC 0.00001; gnomAD exomes below 0.00001; gnomAD 0.00001.
gnomAD v4.1: 1 of 1,599,938 alleles (0.000063%); highest among the groups gnomAD compares: African/African-American, 0.0013%; no homozygotes.

Submissions (2):

Ambry Genetics
Classification: Uncertain significance for Cardiovascular phenotype. Last evaluated: 2024-11-15. Review status: criteria provided, single submitter. Criteria: Ambry Variant Classification Scheme 2023. Collection method: clinical testing. Allele origin: germline.

GeneDx
Classification: Uncertain significance. Last evaluated: 2024-04-16. Review status: criteria provided, single submitter. Criteria: GeneDx Variant Classification Process June 2021. Collection method: clinical testing. Allele origin: germline.
Comment: Has not been previously published as pathogenic or benign to our knowledge; Not observed at significant frequency in large population cohorts (gnomAD); In silico analysis supports that this missense variant does not alter protein structure/function

NM_144573.4(NEXN):c.1469A>G (p.His490Arg)

Gene: NEXN (nexilin F-actin binding protein; plus strand). Cytogenetic location: 1p31.1.
Variant type: single nucleotide variant.
Coding change: c.1469A>G on transcript NM_144573.4 (MANE Select); coding-DNA position 1469, A replaced by G.
Protein change: p.His490Arg; replaces histidine 490 with arginine.
Molecular consequence: missense variant.
Genome position (GRCh38, 1-based): chr1:77,936,040, A>G. VCF-style: chr1-77936040-A-G. GRCh37 (hg19) VCF-style: chr1-78401725-A-G.
Other names: c.1277A>G, p.His426Arg (NM_001172309.2); short protein forms H426R, H490R.
Identifiers: ClinVar variation 1698041 (VCV001698041.4), dbSNP rs753979244, ClinGen allele CA918882.
Genomic context (GRCh38, chr1:77,936,040, plus strand): 5'-AGCGAGCAAGAAGGAGAGCAATTGACCTTGAAATTAAAGAGCGAGAAGCTGAAAATTTTC[A>G]TGAGGTATATTACCTTTATATTTAACATAGTTATGGTACAGTAATGATAATAAATTTAAC-3'
Protein context (NP_653174.3, residues 480-500): EIKEREAENF[His490Arg]EEDDVDVRPA